The following is an entry in ClinVar:

NM_000535.7(PMS2):c.481C>T (p.Gln161Ter)

Gene: PMS2 (PMS1 homolog 2, mismatch repair system component; minus strand). Cytogenetic location: 7p22.1.
Variant type: single nucleotide variant.
Coding change: c.481C>T on transcript NM_000535.7 (MANE Select); coding-DNA position 481, C replaced by T.
Protein change: p.Gln161Ter; replaces glutamine 161 with a stop codon.
Molecular consequence: nonsense. On other transcripts: 5 prime UTR variant (2), non-coding transcript variant (1), intron variant (1).
Genome position (GRCh38, 1-based): chr7:6,002,509, G>A on the plus strand (C>T on the coding strand, the complement: PMS2 is on the minus strand). VCF-style: chr7-6002509-G-A. GRCh37 (hg19) VCF-style: chr7-6042140-G-A.
Other names: c.76C>T, p.Gln26Ter (NM_001018040.1, NM_001322003.2, NM_001322004.2 and 25 more transcripts); c.481C>T, p.Gln161Ter (NM_001322006.2, NM_001322014.2, NM_001406869.1 and 8 more transcripts); c.163C>T, p.Gln55Ter (NM_001322007.2, NM_001322008.2, NM_001406876.1 and 4 more transcripts); c.-404C>T (NM_001322011.2, NM_001322012.2); c.172C>T, p.Gln58Ter (NM_001322015.2, NM_001406875.1, NM_001406877.1 and 6 more transcripts); c.667C>T, p.Gln223Ter (NM_001406866.1); c.505C>T, p.Gln169Ter (NM_001406868.1); c.250+1463C>T (NM_001406885.1); short protein forms Q169*, Q55*, Q223*, Q26*, Q161*, Q58*.
Identifiers: ClinVar variation 2718740 (VCV002718740.5), dbSNP rs2128816708, ClinGen allele CA366744267.
Genomic context (GRCh38, chr7:6,002,509, plus strand): 5'-GTACCTTCTTAATATTCCTTTGAAATTCCTTATGGCGCACAGGTAGTGTGGAAAATAACT[G>A]CTGCACGCTGACTGTGGTCCCTCTGGGGCGGGGGTAGGGGGTTTTCTGGATAATTTTCCC-3'

ClinVar aggregate classification (germline): Pathogenic. Review status: criteria provided, multiple submitters, no conflicts (2 of 4 stars). 3 submissions from 3 submitters: Pathogenic (3). Last evaluated 2026-08-20.

Conditions:
Hereditary nonpolyposis colorectal neoplasms. Identifiers: MedGen C0009405, MeSH D003123.
Inherited MMR deficiency (Lynch syndrome).
Lynch syndrome 4 (LYNCH4). Also called: Colorectal cancer, hereditary nonpolyposis, type 4; Hereditary non-polyposis colorectal cancer, type 4. Identifiers: Orphanet 144, MedGen C1838333, MONDO:0013699, OMIM 614337. Disease mechanism: loss of function.

Allele frequency attached by ClinVar (database versions not stated): gnomAD exomes below 0.00001.
gnomAD v4.1: 1 of 1,611,568 alleles (0.000062%); highest among the groups gnomAD compares: South Asian, 0.0011%; no homozygotes.

Submissions (3):

Genetics Laboratory, Great Ormond Street Hospital NHS Foundation Trust, North Thames Genomic Laboratory Hub
Classification: Pathogenic for Inherited MMR deficiency (Lynch syndrome). Last evaluated: 2026-08-20. Review status: criteria provided, single submitter. Criteria: CanVIG MMR Gene Specific V1.7. Collection method: clinical testing. Allele origin: germline. Affected: yes.
Comment: PM2_supporting, PVS1_very-strong, PP4_supporting

Myriad Genetics, Inc.
Classification: Pathogenic for Lynch syndrome 4. Last evaluated: 2025-12-31. Review status: criteria provided, single submitter. Criteria: Myriad Autosomal Dominant, Autosomal Recessive and X-Linked Classification Criteria (2023). Collection method: clinical testing. Allele origin: unknown.
Comment: This variant is considered pathogenic. This variant creates a termination codon and is predicted to result in premature protein truncation.

Labcorp Genetics (formerly Invitae), Labcorp
Classification: Pathogenic for Hereditary nonpolyposis colorectal neoplasms. Last evaluated: 2023-06-18. Review status: criteria provided, single submitter. Criteria: Invitae Variant Classification Sherloc (09022015). Collection method: clinical testing. Allele origin: germline.
Comment: For these reasons, this variant has been classified as Pathogenic. This variant has not been reported in the literature in individuals affected with PMS2-related conditions. This variant is not present in population databases (gnomAD no frequency). This sequence change creates a premature translational stop signal (p.Gln161*) in the PMS2 gene. It is expected to result in an absent or disrupted protein product. Loss-of-function variants in PMS2 are known to be pathogenic (PMID: 21376568, 24362816).

Literature cited by the submitters: PubMed 21376568 (cited by Labcorp Genetics (formerly Invitae), Labcorp); PubMed 24362816 (cited by Labcorp Genetics (formerly Invitae), Labcorp).